The following is an entry in ClinVar:

ClinVar aggregate classification (germline): Uncertain significance (1 of 4 stars; one submission).

Submission:

GeneDx
Classification: Uncertain significance. Last evaluated: 2026-03-21. Review status: criteria provided, single submitter. Criteria: GeneDx Variant Classification Process June 2021. Collection method: clinical testing. Allele origin: germline.
Comment: Not observed at significant frequency in large population cohorts (gnomAD); In silico analysis suggests that this missense variant does not alter protein structure/function; Has not been previously published as pathogenic or benign to our knowledge

NM_001190274.2(FBXO11):c.1841G>C (p.Ser614Thr)

Gene: FBXO11 (F-box protein 11; minus strand). Cytogenetic location: 2p16.3.
Variant type: single nucleotide variant.
Coding change: c.1841G>C on transcript NM_001190274.2 (MANE Select); coding-DNA position 1841, G replaced by C.
Protein change: p.Ser614Thr; replaces serine 614 with threonine.
Molecular consequence: missense variant.
Genome position (GRCh38, 1-based): chr2:47,819,035, C>G on the plus strand (G>C on the coding strand, the complement: FBXO11 is on the minus strand). VCF-style: chr2-47819035-C-G. GRCh37 (hg19) VCF-style: chr2-48046174-C-G.
Other names: c.1589G>C, p.Ser530Thr (NM_001374325.1, NM_025133.4); short protein forms S614T, S530T.
Identifiers: ClinVar variation 5009585 (VCV005009585.1).
Genomic context (GRCh38, chr2:47,819,035, plus strand): 5'-CGGTTTCTTCTCAGTACTGGAGTGCTGCCAGTTGTCACCCAGACTCCAGCTAGAGTGTTA[C>G]TATAAACTTCATTCTCTTCTATTACTCCTTGTCCCTTTTCATGCTAAATGAAAGTTACAC-3'
Protein context (NP_001177203.1, residues 604-624): QGVIEENEVY[Ser614Thr]NTLAGVWVTT